The following is an entry in ClinVar:

ClinVar aggregate classification (germline): Likely pathogenic (1 of 4 stars; one submission).

Conditions:
X-linked Alport syndrome (ATS1). Also called: NEPHROPATHY AND DEAFNESS, X-LINKED; COL4A5-Related Nephropathy. Identifiers: Orphanet 63, Orphanet 88917, MedGen C4746986, MONDO:0010520, OMIM 301050.

Submission:

3billion
Classification: Likely pathogenic for X-linked Alport syndrome. Last evaluated: 2026-01-28. Review status: criteria provided, single submitter. Criteria: ACMG Guidelines, 2015. Collection method: clinical testing. Allele origin: germline. Affected: yes.
Comment: The variant is not observed in the gnomAD v4.1.0 dataset. Predicted Consequence/Location: Frameshift: predicted to result in a loss or disruption of normal protein function through nonsense-mediated decay (NMD) or protein truncation. Multiple pathogenic variants are reported downstream of the variant. Therefore, this variant is classified as Likely pathogenic according to the recommendation of ACMG/AMP guideline.

NM_033380.3(COL4A5):c.2461del (p.Gln821fs)

Gene: COL4A5 (collagen type IV alpha 5 chain; plus strand). Cytogenetic location: Xq22.3.
Variant type: Deletion.
Coding change: c.2461del on transcript NM_033380.3 (MANE Select); coding-DNA position 2461, one base deleted (C; older notation c.2461delC).
Protein change: p.Gln821fs; shifts the reading frame from glutamine 821.
Molecular consequence: frameshift variant.
Genome position (GRCh38, 1-based): chrX:108,614,976, C deleted. VCF-style (leftmost placement, unchanged base first): chrX-108614975-TC-T. GRCh37 (hg19) VCF-style: chrX-107858205-TC-T.
Other names: c.2461del, p.Gln821fs (NM_000495.5); short protein forms Q821fs.
Identifiers: ClinVar variation 4854659 (VCV004854659.1).